The following is an entry in ClinVar:

ClinVar aggregate classification (germline): Uncertain significance. Review status: criteria provided, multiple submitters, no conflicts (2 of 4 stars). 2 submissions from 2 submitters: Uncertain significance (2). Last evaluated 2025-06-17.

Conditions:
Multiple endocrine neoplasia, type 2 (MEN2). Identifiers: Orphanet 653, MedGen C4048306, MONDO:0019003. Disease mechanism: gain of function.

Allele frequency attached by ClinVar (database versions not stated): gnomAD exomes below 0.00001.
gnomAD v4.1: 1 of 1,613,358 alleles (0.000062%); highest among the groups gnomAD compares: Non-Finnish European, 0.000085%; no homozygotes.

Submissions (2):

Color Diagnostics, LLC DBA Color Health
Classification: Uncertain significance for Multiple endocrine neoplasia, type 2. Last evaluated: 2025-06-17. Review status: criteria provided, single submitter. Criteria: ACMG Guidelines, 2015. Collection method: clinical testing. Allele origin: germline.
Comment: This missense variant replaces proline with serine at codon 841 of the RET protein. Computational prediction is inconclusive regarding the impact of this variant on protein structure and function. To our knowledge, functional studies have not been reported for this variant. This variant has not been reported in individuals affected with RET-related disorders in the literature. This variant has not been identified in the general population by the Genome Aggregation Database (gnomAD). The available evidence is insufficient to determine the role of this variant in disease conclusively. Therefore, this variant is classified as a Variant of Uncertain Significance.

All of Us Research Program, National Institutes of Health
Classification: Uncertain significance for Multiple endocrine neoplasia, type 2. Last evaluated: 2023-05-31. Review status: criteria provided, single submitter. Criteria: ACMG Guidelines, 2015. Collection method: clinical testing. Allele origin: germline. Inheritance: Autosomal dominant inheritance. Observed: 1 variant allele, 1 heterozygote.
Comment: This study involves interpretation of variants in research participants for the purpose of population health screening. Participant phenotype was not available at the time of variant classification. Additional details can be found in publication PMID: 35346344, PMCID: PMC8962531

NM_020975.6(RET):c.2521C>T (p.Pro841Ser)

Gene: RET (ret proto-oncogene; plus strand). Cytogenetic location: 10q11.21.
Variant type: single nucleotide variant.
Coding change: c.2521C>T on transcript NM_020975.6 (MANE Select); coding-DNA position 2521, C replaced by T.
Protein change: p.Pro841Ser; replaces proline 841 with serine.
Molecular consequence: missense variant.
Genome position (GRCh38, 1-based): chr10:43,119,659, C>T. VCF-style: chr10-43119659-C-T. GRCh37 (hg19) VCF-style: chr10-43615107-C-T.
Other names: c.1495C>T, p.Pro499Ser (NM_001406786.1, NM_001406783.1); c.1489C>T, p.Pro497Ser (NM_001406787.1); c.1336C>T, p.Pro446Ser (NM_001406788.1, NM_001406789.1, NM_001406790.1); c.1216C>T, p.Pro406Ser (NM_001406791.1); c.1072C>T, p.Pro358Ser (NM_001406792.1, NM_001406793.1, NM_001406794.1); c.1795C>T, p.Pro599Ser (NM_001406777.1, NM_001406778.1, NM_001406775.1 and 1 more transcripts); c.1624C>T, p.Pro542Ser (NM_001406779.1, NM_001406780.1, NM_001406781.1 and 1 more transcripts); c.1531C>T, p.Pro511Ser (NM_001406784.1); and 10 more; short protein forms P358S, P406S, P446S, P497S, P499S, P502S, P511S, P542S.
Identifiers: ClinVar variation 3071159 (VCV003071159.2), dbSNP rs2538566134, ClinGen allele CA376556441.